The following is an entry in ClinVar:

ClinVar aggregate classification (germline): Uncertain significance (1 of 4 stars; one submission).

Conditions:
DICER1-related tumor predisposition. Also called: DICER1 syndrome; DICER1-related pleuropulmonary blastoma cancer predisposition syndrome. Identifiers: Orphanet 284343, MedGen C3839822, MONDO:0100216.

Submission:

Labcorp Genetics (formerly Invitae), Labcorp
Classification: Uncertain significance for DICER1-related tumor predisposition. Last evaluated: 2021-11-12. Review status: criteria provided, single submitter. Criteria: Invitae Variant Classification Sherloc (09022015). Collection method: clinical testing. Allele origin: germline.
Comment: In summary, the available evidence is currently insufficient to determine the role of this variant in disease. Therefore, it has been classified as a Variant of Uncertain Significance. Algorithms developed to predict the effect of missense changes on protein structure and function are either unavailable or do not agree on the potential impact of this missense change (SIFT: "Tolerated"; PolyPhen-2: "Probably Damaging"; Align-GVGD: "Class C0"). This variant has not been reported in the literature in individuals affected with DICER1-related conditions. This variant is not present in population databases (gnomAD no frequency). This sequence change replaces leucine, which is neutral and non-polar, with methionine, which is neutral and non-polar, at codon 346 of the DICER1 protein (p.Leu346Met).

NM_177438.3(DICER1):c.1036T>A (p.Leu346Met)

Gene: DICER1 (dicer 1, ribonuclease III; minus strand). Cytogenetic location: 14q32.13.
Variant type: single nucleotide variant.
Coding change: c.1036T>A on transcript NM_177438.3 (MANE Select); coding-DNA position 1036, T replaced by A.
Protein change: p.Leu346Met; replaces leucine 346 with methionine.
Molecular consequence: missense variant.
Genome position (GRCh38, 1-based): chr14:95,124,536, A>T on the plus strand (T>A on the coding strand, the complement: DICER1 is on the minus strand). VCF-style: chr14-95124536-A-T. GRCh37 (hg19) VCF-style: chr14-95590873-A-T.
Other names: c.1036T>A, p.Leu346Met (NM_001195573.1, NM_001271282.3, NM_001291628.2 and 1 more transcripts); short protein forms L346M.
Identifiers: ClinVar variation 1392810 (VCV001392810.7), dbSNP rs1893233162, ClinGen allele CA390887104.